The following is an entry in ClinVar:

NM_003722.5(TP63):c.1204T>C (p.Tyr402His)

Gene: TP63 (tumor protein p63; plus strand). Cytogenetic location: 3q28.
Variant type: single nucleotide variant.
Coding change: c.1204T>C on transcript NM_003722.5 (MANE Select); coding-DNA position 1204, T replaced by C.
Protein change: p.Tyr402His; replaces tyrosine 402 with histidine.
Molecular consequence: missense variant.
Genome position (GRCh38, 1-based): chr3:189,869,398, T>C. VCF-style: chr3-189869398-T-C. GRCh37 (hg19) VCF-style: chr3-189587187-T-C.
Other names: c.1204T>C, p.Tyr402His (NM_001114978.2, NM_001114979.2, NM_001329144.2); c.922T>C, p.Tyr308His (NM_001114980.2, NM_001114981.2, NM_001114982.2 and 1 more transcripts); c.667T>C, p.Tyr223His (NM_001329146.2); c.1192T>C, p.Tyr398His (NM_001329148.2); c.910T>C, p.Tyr304His (NM_001329149.2); c.655T>C, p.Tyr219His (NM_001329150.2); c.1198T>C, p.Tyr400His (NM_001329964.2); short protein forms Y219H, Y223H, Y304H, Y308H, Y398H, Y400H, Y402H.
Identifiers: ClinVar variation 1310383 (VCV001310383.4), dbSNP rs926502142, ClinGen allele CA89747386.

ClinVar aggregate classification (germline): Uncertain significance. Review status: criteria provided, multiple submitters, no conflicts (2 of 4 stars). 2 submissions from 2 submitters: Uncertain significance (2). Last evaluated 2024-02-21.

Conditions:
TP63-Related Spectrum Disorders.

Submissions (2):

Labcorp Genetics (formerly Invitae), Labcorp
Classification: Uncertain significance. Last evaluated: 2024-02-21. Review status: criteria provided, single submitter. Criteria: Invitae Variant Classification Sherloc (09022015). Collection method: clinical testing. Allele origin: germline.
Comment: This sequence change replaces tyrosine, which is neutral and polar, with histidine, which is basic and polar, at codon 402 of the TP63 protein (p.Tyr402His). This variant is not present in population databases (gnomAD no frequency). This variant has not been reported in the literature in individuals affected with TP63-related conditions. ClinVar contains an entry for this variant (Variation ID: 1310383). Advanced modeling of protein sequence and biophysical properties (such as structural, functional, and spatial information, amino acid conservation, physicochemical variation, residue mobility, and thermodynamic stability) has been performed at Invitae for this missense variant, however the output from this modeling did not meet the statistical confidence thresholds required to predict the impact of this variant on TP63 protein function. In summary, the available evidence is currently insufficient to determine the role of this variant in disease. Therefore, it has been classified as a Variant of Uncertain Significance.

GeneDx
Classification: Uncertain significance. Last evaluated: 2019-12-05. Review status: criteria provided, single submitter. Criteria: GeneDx Variant Classification Process June 2021. Collection method: clinical testing. Allele origin: germline. Affected: yes.
Comment: Not observed in large population cohorts (Lek et al., 2016); In silico analysis, which includes protein predictors and evolutionary conservation, supports that this variant does not alter protein structure/function; Has not been previously published as pathogenic or benign to our knowledge